The following is an entry in ClinVar:

NM_000784.4(CYP27A1):c.789C>T (p.Pro263=)

Gene: CYP27A1 (cytochrome P450 family 27 subfamily A member 1; plus strand). Cytogenetic location: 2q35.
Variant type: single nucleotide variant.
Coding change: c.789C>T on transcript NM_000784.4 (MANE Select); coding-DNA position 789, C replaced by T.
Protein change: p.Pro263=; no amino-acid change (proline 263 retained).
Molecular consequence: synonymous variant.
Genome position (GRCh38, 1-based): chr2:218,812,694, C>T. VCF-style: chr2-218812694-C-T. GRCh37 (hg19) VCF-style: chr2-219677417-C-T.
Identifiers: ClinVar variation 334370 (VCV000334370.51), dbSNP rs143600636, ClinGen allele CA2112716.
Genomic context (GRCh38, chr2:218,812,694, plus strand): 5'-CATCGGGTTAATGTTCCAGAACTCACTCTATGCCACCTTCCTCCCCAAGTGGACTCGCCC[C>T]GTGCTGCCTTTCTGGAAGCGATACCTGGATGGTTGGAATGCCATCTTTTCCTTTGGTGAG-3'
Protein context (NP_000775.1, residues 253-273): YATFLPKWTR[Pro263=]VLPFWKRYLD

ClinVar aggregate classification (germline): Conflicting classifications of pathogenicity. Review status: criteria provided, conflicting classifications (1 of 4 stars). 10 submissions from 10 submitters: Uncertain significance (2); Likely benign (6). 2 of the submissions do not count toward it. Last evaluated 2026-01-14.

Conditions:
Cardiovascular phenotype. Identifiers: MedGen CN230736.
Cholestanol storage disease (CTX). Also called: CEREBRAL CHOLESTERINOSIS; Cerebrotendinous Xanthomatosis; CTX: Cerebrotendinous xanthomatosis. Identifiers: Orphanet 909, MedGen C0238052, MONDO:0008948, OMIM 213700.

Allele frequency attached by ClinVar (database versions not stated): 1000 Genomes Project 30x 0.00016; gnomAD 0.00018 and 0.00019; 1000 Genomes Project 0.00020; ExAC 0.00023; TOPMed 0.00026; gnomAD exomes 0.00029 and 0.00054; ESP Exome Variant Server 0.00046.
gnomAD v4.1: 806 of 1,614,230 alleles (0.05%); highest among the groups gnomAD compares: Non-Finnish European, 0.062%; 1 homozygote.

Submissions (10):

Labcorp Genetics (formerly Invitae), Labcorp
Classification: Likely benign for Cholestanol storage disease. Last evaluated: 2026-01-14. Review status: criteria provided, single submitter. Criteria: Invitae Variant Classification Sherloc (09022015). Collection method: clinical testing. Allele origin: germline.

Blueprint Genetics
Classification: Likely benign. Last evaluated: 2024-08-07. Review status: criteria provided, single submitter. Criteria: ACMG Guidelines, 2015. Collection method: clinical testing. Allele origin: germline.

CeGaT Center for Human Genetics Tuebingen
Classification: Likely benign. Last evaluated: 2022-05-01. Review status: criteria provided, single submitter. Criteria: CeGaT Center For Human Genetics Tuebingen Variant Classification Criteria Version 2. Collection method: clinical testing. Allele origin: germline. Affected: yes. Observed: 1 variant allele.
Comment: CYP27A1: BP4, BP7

GeneDx
Classification: Likely benign. Last evaluated: 2020-11-23. Review status: criteria provided, single submitter. Criteria: GeneDx Variant Classification Process June 2021. Collection method: clinical testing. Allele origin: germline. Affected: yes.

Ambry Genetics
Classification: Likely benign for Cardiovascular phenotype. Last evaluated: 2020-03-16. Review status: criteria provided, single submitter. Criteria: Ambry Variant Classification Scheme 2023. Collection method: clinical testing. Allele origin: germline.

Eurofins Ntd Llc (ga)
Classification: Uncertain significance. Last evaluated: 2018-02-06. Review status: criteria provided, single submitter. Criteria: EGL Classification Definitions 2015. Collection method: clinical testing. Allele origin: germline. Observed: 2 variant alleles, 2 heterozygotes.

Illumina Laboratory Services, Illumina
Classification: Uncertain significance for Cholestanol storage disease. Last evaluated: 2018-01-13. Review status: criteria provided, single submitter. Criteria: ICSL Variant Classification Criteria 13 December 2019. Collection method: clinical testing. Allele origin: germline.

Clinical Genetics DNA and cytogenetics Diagnostics Lab, Erasmus MC, Erasmus Medical Center
Classification: Likely benign for Cholestanol storage disease. Last evaluated: 2017-06-28. Review status: criteria provided, single submitter. Criteria: ACGS Guidelines, 2013. Collection method: clinical testing. Allele origin: germline. Affected: yes. Study: VKGL Data-share Consensus.

Natera, Inc.
Classification: Likely benign for Cerebrotendinous xanthomatosis. Last evaluated: 2020-04-25. Review status: no assertion criteria provided. Collection method: clinical testing. Allele origin: germline. Not counted in ClinVar's aggregate classification.

Clinical Genetics, Academic Medical Center
Classification: Benign. Review status: no assertion criteria provided. Collection method: clinical testing. Allele origin: germline. Affected: yes. Study: VKGL Data-share Consensus. Not counted in ClinVar's aggregate classification.